The following is an entry in ClinVar:

NM_001348800.3(ZBTB20):c.1597G>T (p.Ala533Ser)

Gene: ZBTB20 (zinc finger and BTB domain containing 20; minus strand). Cytogenetic location: 3q13.31.
Variant type: single nucleotide variant.
Coding change: c.1597G>T on transcript NM_001348800.3 (MANE Select); coding-DNA position 1597, G replaced by T.
Protein change: p.Ala533Ser; replaces alanine 533 with serine.
Molecular consequence: missense variant.
Genome position (GRCh38, 1-based): chr3:114,350,481, C>A on the plus strand (G>T on the coding strand, the complement: ZBTB20 is on the minus strand). VCF-style: chr3-114350481-C-A. GRCh37 (hg19) VCF-style: chr3-114069328-C-A.
Other names: c.1597G>T, p.Ala533Ser (NM_001164342.2, NM_001348803.3, NM_001393393.1 and 1 more transcripts); c.1378G>T, p.Ala460Ser (NM_001164343.2, NM_001164344.4, NM_001164345.4 and 9 more transcripts); short protein forms A460S, A533S.
Identifiers: ClinVar variation 3683008 (VCV003683008.2).
Genomic context (GRCh38, chr3:114,350,481, plus strand): 5'-GTGCAGTAAAGGTCGACAGACCGGGCTGGGACACTGTCACAAACTGGGTCTGCTGGCCTG[C>A]CAGGGGCTGTGGCAGGCTGAAGAGGAAAGGCTTGGGGCCACTGCCCGCGGGCTGGGTAGT-3'
Protein context (NP_001335729.1, residues 523-543): PFLFSLPQPL[Ala533Ser]GQQTQFVTVS

ClinVar aggregate classification (germline): Uncertain significance (1 of 4 stars; one submission).

Submission:

Labcorp Genetics (formerly Invitae), Labcorp
Classification: Uncertain significance. Last evaluated: 2024-06-18. Review status: criteria provided, single submitter. Criteria: Invitae Variant Classification Sherloc (09022015). Collection method: clinical testing. Allele origin: germline.
Comment: This sequence change replaces alanine, which is neutral and non-polar, with serine, which is neutral and polar, at codon 533 of the ZBTB20 protein (p.Ala533Ser). This variant is not present in population databases (gnomAD no frequency). This variant has not been reported in the literature in individuals affected with ZBTB20-related conditions. Advanced modeling of protein sequence and biophysical properties (such as structural, functional, and spatial information, amino acid conservation, physicochemical variation, residue mobility, and thermodynamic stability) performed at Invitae indicates that this missense variant is not expected to disrupt ZBTB20 protein function with a negative predictive value of 95%. In summary, the available evidence is currently insufficient to determine the role of this variant in disease. Therefore, it has been classified as a Variant of Uncertain Significance.